The following is an entry in ClinVar:

NM_000265.7(NCF1):c.345C>T (p.Leu115=)

Genes: NCF1 (neutrophil cytosolic factor 1; plus strand), LOC106029312 (Williams-Beuren syndrome medial block B recombination region; plus strand). Cytogenetic location: 7q11.23.
Variant type: single nucleotide variant.
Coding change: c.345C>T on transcript NM_000265.7 (MANE Select); coding-DNA position 345, C replaced by T.
Protein change: p.Leu115=; no amino-acid change (leucine 115 retained).
Molecular consequence: synonymous variant.
Genome position (GRCh38, 1-based): chr7:74,779,372, C>T. VCF-style: chr7-74779372-C-T. GRCh37 (hg19) VCF-style: chr7-74193718-C-T.
Other names: p.Leu115=; c.345C>T (NM_000265.6).
Identifiers: ClinVar variation 1284914 (VCV001284914.7), dbSNP rs17356100, ClinGen allele CA4298113.
Genomic context (GRCh38, chr7:74,779,372, plus strand): 5'-CGAGTACTGCAGCACGCTCATGAGCCTGCCCACCAAGATCTCCCGCTGTCCCCACCTCCT[C>T]GACTTCTTCAAGGTGCGCCCTGATGACCTCAAGCTCCCCACGGACAACCAGTGAGTGAAC-3'
Protein context (NP_000256.4, residues 105-125): PTKISRCPHL[Leu115=]DFFKVRPDDL

ClinVar aggregate classification (germline): Benign/Likely benign. Review status: criteria provided, multiple submitters, no conflicts (2 of 4 stars). 6 submissions from 6 submitters: Benign (2); Likely benign (1). 3 of the submissions do not count toward it. Last evaluated 2025-07-30.

Allele frequency attached by ClinVar (database versions not stated): ExAC 0.00069; gnomAD exomes 0.00147 and 0.09276; 1000 Genomes Project 30x 0.12570; gnomAD 0.12720.

Submissions (6):

Mayo Clinic Laboratories, Mayo Clinic
Classification: Benign. Last evaluated: 2025-07-30. Review status: criteria provided, single submitter. Criteria: ACMG Guidelines, 2015. Collection method: clinical testing. Allele origin: germline. Observed: 2 variant alleles.
Comment: BS1, BS2, BP4, BP7

Blueprint Genetics
Classification: Likely benign. Last evaluated: 2024-11-27. Review status: criteria provided, single submitter. Criteria: ACMG Guidelines, 2015. Collection method: clinical testing. Allele origin: germline.

Breakthrough Genomics
Classification: Benign. Review status: criteria provided, single submitter. Criteria: ACMG Guidelines, 2015. Collection method: not provided. Allele origin: germline. Inheritance: Autosomal recessive inheritance. Affected: yes.

Clinical Genetics DNA and cytogenetics Diagnostics Lab, Erasmus MC, Erasmus Medical Center
Classification: Likely benign. Review status: no assertion criteria provided. Collection method: clinical testing. Allele origin: germline. Affected: yes. Study: VKGL Data-share Consensus. Not counted in ClinVar's aggregate classification.

Genome Diagnostics Laboratory, University Medical Center Utrecht
Classification: Likely benign. Review status: no assertion criteria provided. Collection method: clinical testing. Allele origin: germline. Affected: yes. Study: VKGL Data-share Consensus. Not counted in ClinVar's aggregate classification.

Joint Genome Diagnostic Labs from Nijmegen and Maastricht, Radboudumc and MUMC+
Classification: Benign. Review status: no assertion criteria provided. Collection method: clinical testing. Allele origin: germline. Affected: yes. Study: VKGL Data-share Consensus. Not counted in ClinVar's aggregate classification.